The following is an entry in ClinVar:

ClinVar aggregate classification (germline): Uncertain significance. Review status: criteria provided, multiple submitters, no conflicts (2 of 4 stars). 3 submissions from 3 submitters: Uncertain significance (3). Last evaluated 2022-10-24.

Conditions:
Inborn genetic diseases. Identifiers: MedGen C0950123, MeSH D030342.
Gamma-aminobutyric acid transaminase deficiency (GABATD). Also called: GABA transaminase deficiency; Gamma aminobutyrate transaminase deficiency; 4 alpha aminobutyrate transaminase deficiency; GABA aminotransaminase deficiency. Identifiers: Orphanet 2066, MedGen C0342708, MONDO:0013166, OMIM 613163.

Allele frequency attached by ClinVar (database versions not stated): TOPMed 0.00005; gnomAD 0.00006; ESP Exome Variant Server 0.00015.
gnomAD v4.1: 118 of 1,607,252 alleles (0.0073%); highest among the groups gnomAD compares: South Asian, 0.016%; no homozygotes.

Submissions (3):

Labcorp Genetics (formerly Invitae), Labcorp
Classification: Uncertain significance for Gamma-aminobutyric acid transaminase deficiency. Last evaluated: 2022-10-24. Review status: criteria provided, single submitter. Criteria: Invitae Variant Classification Sherloc (09022015). Collection method: clinical testing. Allele origin: germline.
Comment: This sequence change replaces arginine, which is basic and polar, with cysteine, which is neutral and slightly polar, at codon 9 of the ABAT protein (p.Arg9Cys). This variant is present in population databases (rs201701679, gnomAD 0.06%). This variant has not been reported in the literature in individuals affected with ABAT-related conditions. ClinVar contains an entry for this variant (Variation ID: 460325). Algorithms developed to predict the effect of missense changes on protein structure and function (SIFT, PolyPhen-2, Align-GVGD) all suggest that this variant is likely to be tolerated. In summary, the available evidence is currently insufficient to determine the role of this variant in disease. Therefore, it has been classified as a Variant of Uncertain Significance.

Ambry Genetics
Classification: Uncertain significance for Inborn genetic diseases. Last evaluated: 2021-04-13. Review status: criteria provided, single submitter. Criteria: Ambry Variant Classification Scheme 2023. Collection method: clinical testing. Allele origin: germline.

Illumina Laboratory Services, Illumina
Classification: Uncertain significance for Gamma-aminobutyric acid transaminase deficiency. Last evaluated: 2018-01-12. Review status: criteria provided, single submitter. Criteria: ICSL Variant Classification Criteria 13 December 2019. Collection method: clinical testing. Allele origin: germline.

NM_020686.6(ABAT):c.25C>T (p.Arg9Cys)

Gene: ABAT (4-aminobutyrate aminotransferase; plus strand). Cytogenetic location: 16p13.2.
Variant type: single nucleotide variant.
Coding change: c.25C>T on transcript NM_020686.6 (MANE Select); coding-DNA position 25, C replaced by T.
Protein change: p.Arg9Cys; replaces arginine 9 with cysteine.
Molecular consequence: missense variant. On other transcripts: intron variant (3).
Genome position (GRCh38, 1-based): chr16:8,735,764, C>T. VCF-style: chr16-8735764-C-T. GRCh37 (hg19) VCF-style: chr16-8829621-C-T.
Other names: c.25C>T, p.Arg9Cys (NM_000663.5, NM_001127448.2, NM_001386600.1 and 13 more transcripts); c.-65-10237C>T (NM_001386611.1, NM_001386612.1, NM_001386613.1); short protein forms R9C.
Identifiers: ClinVar variation 460325 (VCV000460325.10), dbSNP rs201701679, ClinGen allele CA7892911.